The following is an entry in ClinVar:

NM_005186.4(CAPN1):c.1514A>G (p.Lys505Arg)

Gene: CAPN1 (calpain 1; plus strand). Cytogenetic location: 11q13.1.
Variant type: single nucleotide variant.
Coding change: c.1514A>G on transcript NM_005186.4 (MANE Select); coding-DNA position 1514, A replaced by G.
Protein change: p.Lys505Arg; replaces lysine 505 with arginine.
Molecular consequence: missense variant. On other transcripts: non-coding transcript variant (1).
Genome position (GRCh38, 1-based): chr11:65,206,623, A>G. VCF-style: chr11-65206623-A-G. GRCh37 (hg19) VCF-style: chr11-64974094-A-G.
Other names: c.1514A>G, p.Lys505Arg (NM_001198868.2, NM_001198869.2); c.1352A>G, p.Lys451Arg (NM_001198870.1); short protein forms K451R, K505R.
Identifiers: ClinVar variation 2103479 (VCV002103479.4), dbSNP rs1270112197, ClinGen allele CA381251820.

ClinVar aggregate classification (germline): Uncertain significance (1 of 4 stars; one submission).

Allele frequency attached by ClinVar (database versions not stated): gnomAD exomes 0.00001.
gnomAD v4.1: 11 of 1,613,224 alleles (0.00068%); highest among the groups gnomAD compares: Admixed American, 0.0017%; no homozygotes.

Submission:

Labcorp Genetics (formerly Invitae), Labcorp
Classification: Uncertain significance. Last evaluated: 2022-05-17. Review status: criteria provided, single submitter. Criteria: Invitae Variant Classification Sherloc (09022015). Collection method: clinical testing. Allele origin: germline.
Comment: In summary, the available evidence is currently insufficient to determine the role of this variant in disease. Therefore, it has been classified as a Variant of Uncertain Significance. This sequence change replaces lysine, which is basic and polar, with arginine, which is basic and polar, at codon 505 of the CAPN1 protein (p.Lys505Arg). This variant is present in population databases (no rsID available, gnomAD 0.007%). This variant has not been reported in the literature in individuals affected with CAPN1-related conditions. Algorithms developed to predict the effect of missense changes on protein structure and function output the following: SIFT: "Tolerated"; PolyPhen-2: "Benign"; Align-GVGD: "Class C0". The arginine amino acid residue is found in multiple mammalian species, which suggests that this missense change does not adversely affect protein function. Algorithms developed to predict the effect of sequence changes on RNA splicing suggest that this variant may create or strengthen a splice site.